The following is an entry in ClinVar:

ClinVar aggregate classification (germline): Uncertain significance (1 of 4 stars; one submission).

gnomAD v4.1: 6 of 1,614,200 alleles (0.00037%); highest among the groups gnomAD compares: South Asian, 0.0044%; no homozygotes.

Submission:

Women's Health and Genetics/Laboratory Corporation of America, LabCorp
Classification: Uncertain significance. Last evaluated: 2026-03-03. Review status: criteria provided, single submitter. Criteria: LabCorp Variant Classification Summary - May 2015. Collection method: clinical testing. Allele origin: germline.
Comment: Variant summary: EVC c.287A>G (p.Lys96Arg) results in a conservative amino acid change in the encoded protein sequence. Algorithms developed to predict the effect of missense changes on protein structure and function all suggest that this variant is likely to be tolerated. The variant allele was found at a frequency of 8e-06 in 251264 control chromosomes. The available data on variant occurrences in the general population are insufficient to allow any conclusion about variant significance. To our knowledge, no occurrence of c.287A>G in individuals affected with EVC-related conditions and no experimental evidence demonstrating its impact on protein function have been reported. No submitters have cited clinical-significance assessments for this variant to ClinVar. Based on the evidence outlined above, the variant was classified as uncertain significance.

NM_153717.3(EVC):c.287A>G (p.Lys96Arg)

Gene: EVC (EvC ciliary complex subunit 1; plus strand). Cytogenetic location: 4p16.2.
Variant type: single nucleotide variant.
Coding change: c.287A>G on transcript NM_153717.3 (MANE Select); coding-DNA position 287, A replaced by G.
Protein change: p.Lys96Arg; replaces lysine 96 with arginine.
Molecular consequence: missense variant.
Genome position (GRCh38, 1-based): chr4:5,719,360, A>G. VCF-style: chr4-5719360-A-G. GRCh37 (hg19) VCF-style: chr4-5721087-A-G.
Other names: c.287A>G, p.Lys96Arg (NM_001306090.2, NM_001306092.2); short protein forms K96R.
Identifiers: ClinVar variation 4847494 (VCV004847494.1).
Genomic context (GRCh38, chr4:5,719,360, plus strand): 5'-CCTCGGAAACTGGCTCCCCATCAAGGAGGAGGAAGAGAGAAGTGCAGATGTCGAAGGACA[A>G]GGAAGCTGTTGATGTAAGCTTGGTGTTGATGTTTGTTTGTGGAGGCACATGTGGGAGGTG-3'
Protein context (NP_714928.1, residues 86-106): RKREVQMSKD[Lys96Arg]EAVDECEPPS